The following is an entry in ClinVar:

NM_000074.3(CD40LG):c.739G>A (p.Val247Met)

Gene: CD40LG (CD40 ligand; plus strand). Cytogenetic location: Xq26.3.
Variant type: single nucleotide variant.
Coding change: c.739G>A on transcript NM_000074.3 (MANE Select); coding-DNA position 739, G replaced by A.
Protein change: p.Val247Met; replaces valine 247 with methionine.
Molecular consequence: missense variant.
Genome position (GRCh38, 1-based): chrX:136,659,368, G>A. VCF-style: chrX-136659368-G-A. GRCh37 (hg19) VCF-style: chrX-135741527-G-A.
Other names: short protein forms V247M.
Identifiers: ClinVar variation 3140590 (VCV003140590.3), dbSNP rs2076128005, ClinGen allele CA414756924.
Genomic context (GRCh38, chrX:136,659,368, plus strand): 5'-GGAGTATTTGAATTGCAACCAGGTGCTTCGGTGTTTGTCAATGTGACTGATCCAAGCCAA[G>A]TGAGCCATGGCACTGGCTTCACGTCCTTTGGCTTACTCAAACTCTGAACAGTGTCACCTT-3'
Protein context (NP_000065.1, residues 237-257): VFVNVTDPSQ[Val247Met]SHGTGFTSFG

ClinVar aggregate classification (germline): Uncertain significance. Review status: criteria provided, multiple submitters, no conflicts (2 of 4 stars). 2 submissions from 2 submitters: Uncertain significance (2). Last evaluated 2024-12-16.

Conditions:
Inborn genetic diseases. Identifiers: MedGen C0950123, MeSH D030342.
Hyper-IgM syndrome type 1. Also called: Immunodeficiency, X-linked, with hyper-IgM; Hyper-IgM Immunodeficiency Syndrome, Type 1; CD40 Ligand Deficiency; X-linked hyper-IgM syndrome. Identifiers: Orphanet 101088, MedGen C0398689, MONDO:0010626, OMIM 308230.

Allele frequency attached by ClinVar (database versions not stated): TOPMed below 0.00001.

Submissions (2):

Labcorp Genetics (formerly Invitae), Labcorp
Classification: Uncertain significance for Hyper-IgM syndrome type 1. Last evaluated: 2024-12-16. Review status: criteria provided, single submitter. Criteria: Invitae Variant Classification Sherloc (09022015). Collection method: clinical testing. Allele origin: germline.
Comment: This sequence change replaces valine, which is neutral and non-polar, with methionine, which is neutral and non-polar, at codon 247 of the CD40LG protein (p.Val247Met). This variant is not present in population databases (gnomAD no frequency). This variant has not been reported in the literature in individuals affected with CD40LG-related conditions. ClinVar contains an entry for this variant (Variation ID: 3140590). Invitae Evidence Modeling of protein sequence and biophysical properties (such as structural, functional, and spatial information, amino acid conservation, physicochemical variation, residue mobility, and thermodynamic stability) indicates that this missense variant is not expected to disrupt CD40LG protein function with a negative predictive value of 80%. In summary, the available evidence is currently insufficient to determine the role of this variant in disease. Therefore, it has been classified as a Variant of Uncertain Significance.

Ambry Genetics
Classification: Uncertain significance for Inborn genetic diseases. Last evaluated: 2024-03-01. Review status: criteria provided, single submitter. Criteria: Ambry Variant Classification Scheme 2023. Collection method: clinical testing. Allele origin: germline.